The following is an entry in ClinVar:

ClinVar aggregate classification (germline): Likely benign (1 of 4 stars; one submission).

Conditions:
Heterotaxy, visceral, 4, autosomal (HTX4). Identifiers: Orphanet 450, MedGen C3151057, MONDO:0013403, OMIM 613751.

Allele frequency attached by ClinVar (database versions not stated): gnomAD 0.00001 and 0.00004; TOPMed 0.00002; 1000 Genomes Project 0.00040; 1000 Genomes Project 30x 0.00062.
gnomAD v4.1: 101 of 1,614,112 alleles (0.0063%); highest among the groups gnomAD compares: South Asian, 0.096%; no homozygotes.

Submission:

Illumina Laboratory Services, Illumina
Classification: Likely benign for Heterotaxy, visceral, 4, autosomal. Last evaluated: 2018-01-12. Review status: criteria provided, single submitter. Criteria: ICSL Variant Classification Criteria 13 December 2019. Collection method: clinical testing. Allele origin: germline.
Comment: This variant was observed in the ICSL laboratory as part of a predisposition screen in an ostensibly healthy population. It had not been previously curated by ICSL or reported in the Human Gene Mutation Database (HGMD: prior to June 1st, 2018), and was therefore a candidate for classification through an automated scoring system. Utilizing variant allele frequency, disease prevalence and penetrance estimates, and inheritance mode, an automated score was calculated to assess if this variant is too frequent to cause the disease. Based on the score and internal cut-off values, a variant classified as likely benign is not then subjected to further curation. The score for this variant resulted in a classification of likely benign for this disease.

NM_001106.4(ACVR2B):c.482G>A (p.Arg161Gln)

Gene: ACVR2B (activin A receptor type 2B; plus strand). Cytogenetic location: 3p22.2.
Variant type: single nucleotide variant.
Coding change: c.482G>A on transcript NM_001106.4 (MANE Select); coding-DNA position 482, G replaced by A.
Protein change: p.Arg161Gln; replaces arginine 161 with glutamine.
Molecular consequence: missense variant.
Genome position (GRCh38, 1-based): chr3:38,478,252, G>A. VCF-style: chr3-38478252-G-A. GRCh37 (hg19) VCF-style: chr3-38519743-G-A.
Other names: short protein forms R161Q.
Identifiers: ClinVar variation 902778 (VCV000902778.4), dbSNP rs572594763, ClinGen allele CA2318818.